The following is an entry in ClinVar:

ClinVar aggregate classification (germline): Uncertain significance. Review status: criteria provided, multiple submitters, no conflicts (2 of 4 stars). 4 submissions from 4 submitters: Uncertain significance (4). Last evaluated 2025-09-05.

Conditions:
Inborn genetic diseases. Identifiers: MedGen C0950123, MeSH D030342.
Bardet-Biedl syndrome (BBS). Identifiers: Orphanet 110, MedGen C0752166, MONDO:0015229.
Bardet-Biedl syndrome 1 (BBS1). Identifiers: MedGen C2936862, MONDO:0008854, OMIM 209900. Disease mechanism: loss of function.

Allele frequency attached by ClinVar (database versions not stated): gnomAD 0.00001; TOPMed 0.00001.
gnomAD v4.1: 13 of 1,614,074 alleles (0.00081%); highest among the groups gnomAD compares: Middle Eastern, 0.049%; no homozygotes.

Submissions (4):

Ambry Genetics
Classification: Uncertain significance for Inborn genetic diseases. Last evaluated: 2025-09-05. Review status: criteria provided, single submitter. Criteria: Ambry Variant Classification Scheme 2023. Collection method: clinical testing. Allele origin: germline.

Labcorp Genetics (formerly Invitae), Labcorp
Classification: Uncertain significance for Bardet-Biedl syndrome. Last evaluated: 2022-08-16. Review status: criteria provided, single submitter. Criteria: Invitae Variant Classification Sherloc (09022015). Collection method: clinical testing. Allele origin: germline.
Comment: This sequence change replaces proline, which is neutral and non-polar, with alanine, which is neutral and non-polar, at codon 166 of the BBS1 protein (p.Pro166Ala). This variant is present in population databases (rs748946143, gnomAD 0.007%). This variant has not been reported in the literature in individuals affected with BBS1-related conditions. ClinVar contains an entry for this variant (Variation ID: 879897). Algorithms developed to predict the effect of missense changes on protein structure and function (SIFT, PolyPhen-2, Align-GVGD) all suggest that this variant is likely to be tolerated. In summary, the available evidence is currently insufficient to determine the role of this variant in disease. Therefore, it has been classified as a Variant of Uncertain Significance.

Fulgent Genetics
Classification: Uncertain significance for Bardet-Biedl syndrome 1. Last evaluated: 2021-07-24. Review status: criteria provided, single submitter. Criteria: ACMG Guidelines, 2015. Collection method: clinical testing. Allele origin: unknown.

Illumina Laboratory Services, Illumina
Classification: Uncertain significance for Bardet-Biedl syndrome 1. Last evaluated: 2018-01-12. Review status: criteria provided, single submitter. Criteria: ICSL Variant Classification Criteria 13 December 2019. Collection method: clinical testing. Allele origin: germline.

NM_024649.5(BBS1):c.496C>G (p.Pro166Ala)

Gene: BBS1 (Bardet-Biedl syndrome 1; plus strand). Cytogenetic location: 11q13.2.
Variant type: single nucleotide variant.
Coding change: c.496C>G on transcript NM_024649.5 (MANE Select); coding-DNA position 496, C replaced by G.
Protein change: p.Pro166Ala; replaces proline 166 with alanine.
Molecular consequence: missense variant.
Genome position (GRCh38, 1-based): chr11:66,515,709, C>G. VCF-style: chr11-66515709-C-G. GRCh37 (hg19) VCF-style: chr11-66283180-C-G.
Other names: short protein forms P166A.
Identifiers: ClinVar variation 879897 (VCV000879897.7), dbSNP rs748946143, ClinGen allele CA6123384.
Genomic context (GRCh38, chr11:66,515,709, plus strand): 5'-CCCATTCTTCCATTCGGCTGCCATGCTGGCCCCTTTCCTTGCAGGGAGACGGCAGAGGAG[C>G]CTTTGTCCATCCAGTCACTCAGGTAAGGACCCTGTGGAGGGCCAGGGTTTGGGAGGCTCC-3'
Protein context (NP_078925.3, residues 156-176): LESIRETAEE[Pro166Ala]LSIQSLRFLQ